The following is an entry in ClinVar:

ClinVar aggregate classification (germline): Uncertain significance. Review status: criteria provided, multiple submitters, no conflicts (2 of 4 stars). 11 submissions from 11 submitters: Uncertain significance (9). 2 of the submissions do not count toward it. Last evaluated 2026-01-26.

Conditions:
Facial dysmorphism-immunodeficiency-livedo-short stature syndrome. Also called: Facial dysmorphism, immunodeficiency, livedo, and short stature; FILS syndrome. Identifiers: Orphanet 352712, MedGen C3554576, MONDO:0014058, OMIM 615139.
Colorectal cancer, susceptibility to, 12 (CRCS12). Also called: COLORECTAL CANCER, SUSCEPTIBILITY TO, ON CHROMOSOME 12q24. Identifiers: Orphanet 220460, MedGen C3554460, MONDO:0014038, OMIM 615083.
Intrauterine growth retardation, metaphyseal dysplasia, adrenal hypoplasia congenita, genital anomalies, and immunodeficiency. Also called: IMAGEI SYNDROME. Identifiers: MedGen C5193036, MONDO:0032684, OMIM 618336.
Hereditary cancer-predisposing syndrome. Also called: Hereditary neoplastic syndrome; Neoplastic Syndromes, Hereditary; Hereditary Cancer Syndrome; Tumor predisposition. Identifiers: Orphanet 140162, MedGen C0027672, MeSH D009386, MONDO:0015356.
Carcinoma of colon (CRC). Also called: Colon carcinoma; Colonic carcinoma. Identifiers: MedGen C0699790, MONDO:0002032.

Allele frequency attached by ClinVar (database versions not stated): gnomAD exomes 0.00004 and 0.00006; ExAC 0.00005; TOPMed 0.00006; 1000 Genomes Project 0.00060; 1000 Genomes Project 30x 0.00062.
gnomAD v4.1: 74 of 1,614,066 alleles (0.0046%); highest among the groups gnomAD compares: East Asian, 0.038%; no homozygotes.

Submissions (11):

Labcorp Genetics (formerly Invitae), Labcorp
Classification: Uncertain significance. Last evaluated: 2026-01-26. Review status: criteria provided, single submitter. Criteria: Invitae Variant Classification Sherloc (09022015). Collection method: clinical testing. Allele origin: germline.
Comment: This sequence change replaces alanine, which is neutral and non-polar, with valine, which is neutral and non-polar, at codon 2239 of the POLE protein (p.Ala2239Val). This variant is present in population databases (rs190813054, gnomAD 0.04%). This missense change has been observed in individual(s) with attenuated adenomatous polyposis (PMID: 31285513). ClinVar contains an entry for this variant (Variation ID: 405644). Invitae Evidence Modeling of protein sequence and biophysical properties (such as structural, functional, and spatial information, amino acid conservation, physicochemical variation, residue mobility, and thermodynamic stability) indicates that this missense variant is expected to disrupt POLE protein function with a positive predictive value of 80%. In summary, the available evidence is currently insufficient to determine the role of this variant in disease. Therefore, it has been classified as a Variant of Uncertain Significance.

Center for Genomic Medicine, Rigshospitalet, Copenhagen University Hospital
Classification: Uncertain significance. Last evaluated: 2025-03-04. Review status: criteria provided, single submitter. Criteria: ACMG Guidelines, 2015. Collection method: clinical testing. Allele origin: germline.

Ambry Genetics
Classification: Uncertain significance for Hereditary cancer-predisposing syndrome. Last evaluated: 2024-12-23. Review status: criteria provided, single submitter. Criteria: Ambry Variant Classification Scheme 2023. Collection method: clinical testing. Allele origin: germline.
Comment: The p.A2239V variant (also known as c.6716C>T), located in coding exon 48 of the POLE gene, results from a C to T substitution at nucleotide position 6716. The alanine at codon 2239 is replaced by valine, an amino acid with similar properties. This amino acid position is highly conserved in available vertebrate species. In addition, the in silico prediction for this alteration is inconclusive. Based on the available evidence, the clinical significance of this variant remains unclear.

Fulgent Genetics
Classification: Uncertain significance for Colorectal cancer, susceptibility to, 12; Facial dysmorphism-immunodeficiency-livedo-short stature syndrome; Intrauterine growth retardation, metaphyseal dysplasia, adrenal hypoplasia congenita, genital anomalies, and immunodeficiency. Last evaluated: 2024-06-04. Review status: criteria provided, single submitter. Criteria: ACMG Guidelines, 2015. Collection method: clinical testing. Allele origin: germline.

Revvity Omics, Revvity
Classification: Uncertain significance. Last evaluated: 2024-03-18. Review status: criteria provided, single submitter. Criteria: ACMG Guidelines, 2015. Collection method: clinical testing. Allele origin: germline.

Clinical Genetics Laboratory, Skane University Hospital Lund
Classification: Uncertain significance. Last evaluated: 2024-01-29. Review status: criteria provided, single submitter. Criteria: ACMG Guidelines, 2015. Collection method: clinical testing. Allele origin: germline. Affected: yes.

GeneDx
Classification: Uncertain significance. Last evaluated: 2023-08-17. Review status: criteria provided, single submitter. Criteria: GeneDx Variant Classification Process June 2021. Collection method: clinical testing. Allele origin: germline. Affected: yes.
Comment: In silico analysis supports that this missense variant has a deleterious effect on protein structure/function; Observed in a pediatric patient with neuroblastoma (Zhang et al., 2015); Observed in the homozygous state in an individual with attenuated adenomatous polyposis and did not segregate with disease in the family (Lorca et al., 2019); This variant is associated with the following publications: (PMID: 23675308, 26580448, 31285513)

Blueprint Genetics
Classification: Uncertain significance. Last evaluated: 2022-12-19. Review status: criteria provided, single submitter. Criteria: ACMG Guidelines, 2015. Collection method: clinical testing. Allele origin: germline.

Quest Diagnostics Nichols Institute San Juan Capistrano
Classification: Uncertain significance. Last evaluated: 2018-03-19. Review status: criteria provided, single submitter. Criteria: Quest Diagnostics criteria. Collection method: clinical testing. Allele origin: germline.

Molecular Oncology Laboratory, Hospital Clínico San Carlos
Classification: Likely benign for Colorectal cancer, susceptibility to, 12. Last evaluated: 2018-06-01. Review status: no assertion criteria provided. Criteria: ACMG Guidelines, 2015. Collection method: clinical testing. Allele origin: germline. Inheritance: Autosomal dominant inheritance. Affected: yes. Not counted in ClinVar's aggregate classification.

Department of Pathology and Laboratory Medicine, Sinai Health System
Classification: Uncertain significance for Carcinoma of colon. Review status: no assertion criteria provided. Collection method: clinical testing. Allele origin: unknown. Affected: yes. Observed: 1 variant allele. Study: The Canadian Open Genetics Repository (COGR). Not counted in ClinVar's aggregate classification.
Comment: The POLE p.Ala2239Val variant was not identified in the literature nor was it identified in the Cosmic or MutDB databases. The variant was identified in dbSNP (ID: rs190813054) as "With Uncertain significance allele", and in ClinVar (classified as uncertain significance by Invitae). The variant was identified in control databases in 13 of 276806 chromosomes at a frequency of 0.0001 (Genome Aggregation Database Feb 27, 2017). It was observed in the following populations: East Asian in 7 of 18868 chromosomes (freq: 0.000371), Latino in 4 of 34416 chromosomes (freq: 0.0001), European in 1 of 126374 chromosomes (freq: 0.00001), and South Asian in 1 of 30780 chromosomes (freq: 0.000032); it was not observed in the African, Other, Ashkenazi Jewish, and Finnish populations. The p.Ala2239 residue is conserved in mammals and computational analyses (PolyPhen-2, SIFT, AlignGVGD, BLOSUM, MutationTaster) provide inconsistent predictions regarding the impact to the protein. The variant occurs outside of the splicing consensus sequence and 1 of 5 in silico or computational prediction software programs (SpliceSiteFinder, MaxEntScan, NNSPLICE, GeneSplicer, HumanSpliceFinder) predict a greater than 10% difference in splicing. These computational analyses are not very predictive of pathogenicity. In summary, based on the above information the clinical significance of this variant cannot be determined with certainty at this time. This variant is classified as a variant of uncertain significance.

Literature cited by the submitters: PubMed 31285513 (cited by Labcorp Genetics (formerly Invitae), Labcorp and Center for Genomic Medicine, Rigshospitalet, Copenhagen University Hospital).

NM_006231.4(POLE):c.6716C>T (p.Ala2239Val)

Gene: POLE (DNA polymerase epsilon, catalytic subunit; minus strand). Cytogenetic location: 12q24.33.
Variant type: single nucleotide variant.
Coding change: c.6716C>T on transcript NM_006231.4 (MANE Select); coding-DNA position 6716, C replaced by T.
Protein change: p.Ala2239Val; replaces alanine 2239 with valine.
Molecular consequence: missense variant.
Genome position (GRCh38, 1-based): chr12:132,624,936, G>A on the plus strand (C>T on the coding strand, the complement: POLE is on the minus strand). VCF-style: chr12-132624936-G-A. GRCh37 (hg19) VCF-style: chr12-133201522-G-A.
Other names: short protein forms A2239V.
Identifiers: ClinVar variation 405644 (VCV000405644.26), dbSNP rs190813054, ClinGen allele CA6892010.